The following is an entry in ClinVar:

NM_000263.4(NAGLU):c.1597C>T (p.Arg533Ter)

Gene: NAGLU (N-acetyl-alpha-glucosaminidase; plus strand). Cytogenetic location: 17q21.2.
Variant type: single nucleotide variant.
Coding change: c.1597C>T on transcript NM_000263.4 (MANE Select); coding-DNA position 1597, C replaced by T.
Protein change: p.Arg533Ter; replaces arginine 533 with a stop codon.
Molecular consequence: nonsense.
Genome position (GRCh38, 1-based): chr17:42,543,603, C>T. VCF-style: chr17-42543603-C-T. GRCh37 (hg19) VCF-style: chr17-40695621-C-T.
Other names: short protein forms R533*.
Identifiers: ClinVar variation 495784 (VCV000495784.20), dbSNP rs1244655820, ClinGen allele CA399604256.

ClinVar aggregate classification (germline): Pathogenic/Likely pathogenic. Review status: criteria provided, multiple submitters, no conflicts (2 of 4 stars). 8 submissions from 8 submitters: Pathogenic (6); Likely pathogenic (1). 1 of the submissions does not count toward it. Last evaluated 2026-01-26.

Conditions:
Sanfilippo syndrome. Also called: Sanfilippo disease; Mucopolysaccharidosis type 3; Mucopolysaccharidosis Type III. Identifiers: Orphanet 581, MedGen C0026706, MONDO:0018937.
Charcot-Marie-Tooth disease axonal type 2V. Also called: CHARCOT-MARIE-TOOTH NEUROPATHY, TYPE 2V; CHARCOT-MARIE-TOOTH DISEASE, AXONAL, AUTOSOMAL DOMINANT, TYPE 2V. Identifiers: Orphanet 447964, MedGen C5569050, MONDO:0014665, OMIM 616491.
Mucopolysaccharidosis, MPS-III-B (MPS3B). Also called: Mucopolysaccharidosis type IIIB (Sanfilippo B); N-ACETYL-ALPHA-D-GLUCOSAMINIDASE DEFICIENCY; NAGLU DEFICIENCY; SANFILIPPO SYNDROME B; MPS IIIB (Sanfilippo Syndrome Type B); MPS III B. Identifiers: Orphanet 79270, MedGen C0086648, MONDO:0009656, OMIM 252920.
Inborn genetic diseases. Identifiers: MedGen C0950123, MeSH D030342.

Allele frequency attached by ClinVar (database versions not stated): gnomAD 0.00001; gnomAD exomes below 0.00001; TOPMed below 0.00001.
gnomAD v4.1: 3 of 1,612,976 alleles (0.00019%); highest among the groups gnomAD compares: Admixed American, 0.0017%; no homozygotes.

Submissions (8):

Labcorp Genetics (formerly Invitae), Labcorp
Classification: Pathogenic for Charcot-Marie-Tooth disease axonal type 2V; Mucopolysaccharidosis, MPS-III-B. Last evaluated: 2026-01-26. Review status: criteria provided, single submitter. Criteria: Invitae Variant Classification Sherloc (09022015). Collection method: clinical testing. Allele origin: germline.
Comment: This sequence change creates a premature translational stop signal (p.Arg533*) in the NAGLU gene. While this is not anticipated to result in nonsense mediated decay, it is expected to disrupt the last 211 amino acid(s) of the NAGLU protein. This variant is not present in population databases (gnomAD no frequency). This premature translational stop signal has been observed in individual(s) with mucopolysaccharidosis type III (PMID: 18218046). ClinVar contains an entry for this variant (Variation ID: 495784). For these reasons, this variant has been classified as Pathogenic.

Variantyx, Inc.
Classification: Pathogenic for Mucopolysaccharidosis, MPS-III-B. Last evaluated: 2026-01-07. Review status: criteria provided, single submitter. Criteria: Variantyx Assertion Criteria 2022. Collection method: clinical testing. Allele origin: germline. Inheritance: Autosomal recessive inheritance.
Comment: This is a nonsense variant in the NAGLU gene (OMIM: 609701). Pathogenic variants in this gene have been associated with autosomal recessive mucopolysaccharidosis type IIIB . This variant introduces a premature termination codon in exon 6 out of 6 and is expected to result in loss of function, which is a known disease mechanism for NAGLU in this disorder (PMID: 18218046;9832037;10094189;16151907;11153910) (PVS1). This variant has been identified in the homozygous or compound heterozygous state in at least two individuals reported in the published literature (PMID: 18218046) (PM3), and it has a 0.0017% maximum allele frequency in non-founder control populations (PM2). Based on the genomic data, these variants are in trans.

Natera, Inc.
Classification: Pathogenic for Mucopolysaccharidosis type IIIB. Last evaluated: 2025-07-23. Review status: criteria provided, single submitter. Criteria: Natera Variant Classification Schema (03/2026). Collection method: clinical testing. Allele origin: germline.
Comment: The c.1597C>T variant in NAGLU is a nonsense variant predicted to introduce a stop codon at amino acid 533. This variant is expected to result in nonsense mediated decay, truncation, or a dysfunctional protein product. This variant is rare in the general population with a frequency below the threshold expected for the associated phenotype(s). This variant has been observed in one or more individuals affected with the associated recessive disease, as either homozygous or compound heterozygous with a second variant (PMID: 18218046). Given the available evidence, this variant is classified as Pathogenic.

Ambry Genetics
Classification: Pathogenic for Inborn genetic diseases. Last evaluated: 2021-08-27. Review status: criteria provided, single submitter. Criteria: Ambry Variant Classification Scheme 2023. Collection method: clinical testing. Allele origin: germline.
Comment: The c.1597C>T (p.R533*) alteration, located in exon 6 (coding exon 6) of the NAGLU gene, consists of a C to T substitution at nucleotide position 1597. This changes the amino acid from an arginine (R) to a stop codon at amino acid position 533. This alteration occurs at the 3' terminus of the NAGLU gene, is not expected to trigger nonsense-mediated mRNA decay, and impacts the last 28% (210/743 amino acids) of the protein. Premature stop codons are typically deleterious in nature and the impacted region is critical for protein function (Ambry internal data). This variant was not reported in population-based cohorts in the Genome Aggregation Database (gnomAD). This mutation has been reported in the homozygous and compound heterozygous states in patients with biochemically confirmed mucopolysaccharidosis type III. Patient cell lines demonstrated significantly decreased levels of mRNA and enzymatic activity (Mangas, 2008). Based on the available evidence, this alteration is classified as pathogenic.

Revvity Omics, Revvity
Classification: Pathogenic. Last evaluated: 2019-07-01. Review status: criteria provided, single submitter. Criteria: ACMG Guidelines, 2015. Collection method: clinical testing. Allele origin: germline.

Illumina Laboratory Services, Illumina
Classification: Likely pathogenic for Mucopolysaccharidosis, MPS-III-B. Last evaluated: 2017-04-28. Review status: criteria provided, single submitter. Criteria: ICSL Variant Classification Criteria 09 May 2019. Collection method: clinical testing. Allele origin: germline.
Comment: The NAGLU c.1597C>T (p.Arg533Ter) variant is a stop-gained variant that is predicted to result in premature termination of the protein. The p.Arg533Ter variant has been reported in one study in which it was found in two individuals with mucopolysaccharidosis type III, specifically type IIIB, including in one who carried the variant in a homozygous state and one who carried the variant in a compound heterozygous state (Mangas et al. 2008). The p.Arg533Ter variant was absent from 50 unrelated controls and is not found in the 1000 Genomes Project, the Exome Sequencing Project, or the Exome Aggregation Consortium in a region of good sequence coverage so the variant is presumed to be rare. Characterization of cell lines derived from the two patients showed significantly reduced mRNA levels and enzymatic activity (Mangas et al. 2008). Based on the evidence and the potential impact of stop-gained variants, the p.Arg533Ter variant is classified as likely pathogenic for mucopolysaccharidosis, type III. This variant was observed by ICSL as part of a predisposition screen in an ostensibly healthy population.

Women's Health and Genetics/Laboratory Corporation of America, LabCorp
Classification: Pathogenic for Sanfilippo syndrome. Last evaluated: 2016-12-23. Review status: criteria provided, single submitter. Criteria: LabCorp Variant Classification Summary - May 2015. Collection method: clinical testing. Allele origin: germline.
Comment: Variant summary: The NAGLU c.1597C>T (p.Arg533*) variant results in a premature termination codon, predicted to cause a truncated or absent NAGLU protein due to nonsense mediated decay (NMD), which are commonly known mechanisms for disease. Functional analysis shows that this variant escapes NMD (Mangas_2008). Thus, based on its location and effect, it is expected to delete a substantial part of Alpha-N-acetylglucosaminidase, C-terminal domain (residue 474 733) (InterPro). Truncations downstream of this position (e.g. p.Arg626Ter, c.1944dupG, etc.) have been reported in MPS IIIB patients and classified as pathogenic by the labs in ClinVar. This variant is absent in 114224 control chromosomes from ExAC. Functional analysis using patient cells from the homozygote showed null enzymatic activity. Taken together, this variant is classified as Pathogenic.

Department of Genetics, Sultan Qaboos University Hospital
Classification: Pathogenic for Mucopolysaccharidosis, MPS-III-B. Last evaluated: 2017-12-30. Review status: no assertion criteria provided. Collection method: curation. Allele origin: unknown. Affected: yes. Not counted in ClinVar's aggregate classification.

Literature cited by the submitters: PubMed 18218046 (cited by 6 submitters); PubMed 9832037 (cited by Variantyx, Inc.); PubMed 10094189 (cited by Variantyx, Inc.); PubMed 16151907 (cited by Variantyx, Inc.); PubMed 11153910 (cited by Variantyx, Inc.).